The following is an entry in ClinVar:

ClinVar aggregate classification (germline): Uncertain significance (1 of 4 stars; one submission).

Conditions:
Combined immunodeficiency due to STK4 deficiency (IMD110). Also called: STK4 DEFICIENCY; MST1 DEFICIENCY; T-cell immunodeficiency, recurrent infections, and autoimmunity with or without cardiac malformations. Identifiers: Orphanet 314689, MedGen C3553943, MONDO:0013934, OMIM 614868.

Submission:

Labcorp Genetics (formerly Invitae), Labcorp
Classification: Uncertain significance for Combined immunodeficiency due to STK4 deficiency. Last evaluated: 2022-06-03. Review status: criteria provided, single submitter. Criteria: Invitae Variant Classification Sherloc (09022015). Collection method: clinical testing. Allele origin: germline.
Comment: In summary, the available evidence is currently insufficient to determine the role of this variant in disease. Therefore, it has been classified as a Variant of Uncertain Significance. Advanced modeling of protein sequence and biophysical properties (such as structural, functional, and spatial information, amino acid conservation, physicochemical variation, residue mobility, and thermodynamic stability) performed at Invitae indicates that this missense variant is not expected to disrupt STK4 protein function. ClinVar contains an entry for this variant (Variation ID: 1513233). This variant has not been reported in the literature in individuals affected with STK4-related conditions. This variant is not present in population databases (gnomAD no frequency). This sequence change replaces aspartic acid with glycine at codon 358 of the STK4 protein (p.Asp358Gly). The aspartic acid residue is weakly conserved and there is a moderate physicochemical difference between aspartic acid and glycine.

NM_006282.5(STK4):c.1073A>G (p.Asp358Gly)

Gene: STK4 (serine/threonine kinase 4; plus strand). Cytogenetic location: 20q13.12.
Variant type: single nucleotide variant.
Coding change: c.1073A>G on transcript NM_006282.5 (MANE Select); coding-DNA position 1073, A replaced by G.
Protein change: p.Asp358Gly; replaces aspartic acid 358 with glycine.
Molecular consequence: missense variant.
Genome position (GRCh38, 1-based): chr20:45,001,279, A>G. VCF-style: chr20-45001279-A-G. GRCh37 (hg19) VCF-style: chr20-43629920-A-G.
Other names: c.1073A>G, p.Asp358Gly (NM_001352385.2); short protein forms D358G.
Identifiers: ClinVar variation 1513233 (VCV001513233.6), dbSNP rs2145697791, ClinGen allele CA409126811.